The following is an entry in ClinVar:

ClinVar aggregate classification (germline): Uncertain significance (1 of 4 stars; one submission).

Submission:

Ambry Genetics
Classification: Uncertain significance. Last evaluated: 2025-04-19. Review status: criteria provided, single submitter. Criteria: Ambry Variant Classification Scheme 2023. Collection method: clinical testing. Allele origin: germline.
Comment: The p.R302K variant (also known as c.905G>A), located in coding exon 6 of the ATRIP gene, results from a G to A substitution at nucleotide position 905. The arginine at codon 302 is replaced by lysine, an amino acid with highly similar properties. This amino acid position is conserved. In addition, this alteration is predicted to be tolerated by in silico analysis. Based on the available evidence, the clinical significance of this variant remains unclear.

NM_130384.3(ATRIP):c.905G>A (p.Arg302Lys)

Genes: ATRIP (ATR interacting protein; plus strand), ATRIP-TREX1 (ATRIP-TREX1 readthrough; plus strand). Cytogenetic location: 3p21.31.
Variant type: single nucleotide variant.
Coding change: c.905G>A on transcript NM_130384.3 (MANE Select); coding-DNA position 905, G replaced by A.
Protein change: p.Arg302Lys; replaces arginine 302 with lysine.
Molecular consequence: missense variant. On other transcripts: non-coding transcript variant (1).
Genome position (GRCh38, 1-based): chr3:48,459,434, G>A. VCF-style: chr3-48459434-G-A. GRCh37 (hg19) VCF-style: chr3-48500833-G-A.
Other names: c.524G>A, p.Arg175Lys (NM_001271022.2); c.626G>A, p.Arg209Lys (NM_001271023.2); c.905G>A, p.Arg302Lys (NM_032166.4); short protein forms R175K, R209K, R302K.
Identifiers: ClinVar variation 3976277 (VCV003976277.1).